The following is an entry in ClinVar:

NM_001042492.3(NF1):c.3733A>G (p.Thr1245Ala)

Gene: NF1 (neurofibromin 1; plus strand). Cytogenetic location: 17q11.2.
Variant type: single nucleotide variant.
Coding change: c.3733A>G on transcript NM_001042492.3 (MANE Select); coding-DNA position 3733, A replaced by G.
Protein change: p.Thr1245Ala; replaces threonine 1245 with alanine.
Molecular consequence: missense variant.
Genome position (GRCh38, 1-based): chr17:31,235,635, A>G. VCF-style: chr17-31235635-A-G. GRCh37 (hg19) VCF-style: chr17-29562653-A-G.
Other names: c.3733A>G, p.Thr1245Ala (NM_000267.4); short protein forms T1245A.
Identifiers: ClinVar variation 484022 (VCV000484022.6), dbSNP rs786203616, ClinGen allele CA398992374.
Genomic context (GRCh38, chr17:31,235,635, plus strand): 5'-ATTGTTTGCACTAACCTGATTTTGTTTTGTTCTCAGGATGAACTAGCTCGAGTTCTGGTT[A>G]CTCTGTTTGATTCTCGGCATTTACTCTACCAACTGCTCTGGAACATGTTTTCTAAAGAAG-3'
Protein context (NP_001035957.1, residues 1235-1255): QWDELARVLV[Thr1245Ala]LFDSRHLLYQ

ClinVar aggregate classification (germline): Uncertain significance. Review status: criteria provided, multiple submitters, no conflicts (2 of 4 stars). 2 submissions from 2 submitters: Uncertain significance (2). Last evaluated 2024-11-21.

Conditions:
Hereditary cancer-predisposing syndrome. Also called: Hereditary neoplastic syndrome; Neoplastic Syndromes, Hereditary; Tumor predisposition; Hereditary Cancer Syndrome. Identifiers: Orphanet 140162, MedGen C0027672, MeSH D009386, MONDO:0015356.
Neurofibromatosis, type 1 (NF1). Also called: VON RECKLINGHAUSEN DISEASE; Peripheral type neurofibromatosis; NEUROFIBROMATOSIS, TYPE I, SOMATIC; Neurofibromatosis, type I. Identifiers: Orphanet 636, MedGen C0027831, MONDO:0018975, OMIM 162200. Disease mechanism: loss of function.

Submissions (2):

Labcorp Genetics (formerly Invitae), Labcorp
Classification: Uncertain significance for Neurofibromatosis, type 1. Last evaluated: 2024-11-21. Review status: criteria provided, single submitter. Criteria: Invitae Variant Classification Sherloc (09022015). Collection method: clinical testing. Allele origin: germline.
Comment: This sequence change replaces threonine, which is neutral and polar, with alanine, which is neutral and non-polar, at codon 1245 of the NF1 protein (p.Thr1245Ala). This variant is not present in population databases (gnomAD no frequency). This variant has not been reported in the literature in individuals affected with NF1-related conditions. ClinVar contains an entry for this variant (Variation ID: 484022). Invitae Evidence Modeling of protein sequence and biophysical properties (such as structural, functional, and spatial information, amino acid conservation, physicochemical variation, residue mobility, and thermodynamic stability) indicates that this missense variant is expected to disrupt NF1 protein function with a positive predictive value of 95%. In summary, the available evidence is currently insufficient to determine the role of this variant in disease. Therefore, it has been classified as a Variant of Uncertain Significance.

Ambry Genetics
Classification: Uncertain significance for Hereditary cancer-predisposing syndrome. Last evaluated: 2016-03-11. Review status: criteria provided, single submitter. Criteria: Ambry Autosomal Dominant and X-Linked criteria (10/2015). Collection method: clinical testing. Allele origin: germline. Observed: 1 variant allele.
Comment: The p.T1245A variant (also known as c.3733A>G), located in coding exon 28 of the NF1 gene, results from an A to G substitution at nucleotide position 3733. The threonine at codon 1245 is replaced by alanine, an amino acid with similar properties. This variant was not reported in population based cohorts in the following databases: Database of Single Nucleotide Polymorphisms (dbSNP), NHLBI Exome Sequencing Project (ESP), and 1000 Genomes Project. In the ESP, this variant was not observed in 6503 samples (13006 alleles) with coverage at this position. To date, this alteration has been detected with an allele frequency of approximately 0.001% (greater than 110000 alleles tested) in our clinical cohort.This amino acid position is highly conserved in available vertebrate species. In addition, this alteration is predicted to be deleterious by in silico analysis.Since supporting evidence is limited at this time, the clinical significance of this alterationremains unclear.